The following is an entry in ClinVar:

NM_001164508.2(NEB):c.8434C>A (p.Arg2812Ser)

Gene: NEB (nebulin; minus strand). Cytogenetic location: 2q23.3.
Variant type: single nucleotide variant.
Coding change: c.8434C>A on transcript NM_001164508.2 (MANE Select); coding-DNA position 8434, C replaced by A.
Protein change: p.Arg2812Ser; replaces arginine 2812 with serine.
Molecular consequence: missense variant.
Genome position (GRCh38, 1-based): chr2:151,640,606, G>T on the plus strand (C>A on the coding strand, the complement: NEB is on the minus strand). VCF-style: chr2-151640606-G-T. GRCh37 (hg19) VCF-style: chr2-152497120-G-T.
Other names: c.8434C>A, p.Arg2812Ser (NM_001164507.2, NM_001271208.2, NM_004543.5); short protein forms R2812S.
Identifiers: ClinVar variation 1021048 (VCV001021048.10), dbSNP rs747131655, ClinGen allele CA1909579.

ClinVar aggregate classification (germline): Uncertain significance. Review status: criteria provided, single submitter (1 of 4 stars). 2 submissions from 2 submitters: Uncertain significance (1). 1 of the submissions does not count toward it. Last evaluated 2022-06-27.

Conditions:
Nemaline myopathy 2 (NEM2). Also called: Nemaline myopathy 2, autosomal recessive. Identifiers: MedGen C1850569, MONDO:0009725, OMIM 256030.

Allele frequency attached by ClinVar (database versions not stated): ExAC 0.00002; TOPMed 0.00003.
gnomAD v4.1: 7 of 1,613,860 alleles (0.00043%); highest among the groups gnomAD compares: East Asian, 0.0089%; no homozygotes.

Submissions (2):

Labcorp Genetics (formerly Invitae), Labcorp
Classification: Uncertain significance for Nemaline myopathy 2. Last evaluated: 2022-06-27. Review status: criteria provided, single submitter. Criteria: Invitae Variant Classification Sherloc (09022015). Collection method: clinical testing. Allele origin: germline.
Comment: This sequence change replaces arginine, which is basic and polar, with serine, which is neutral and polar, at codon 2812 of the NEB protein (p.Arg2812Ser). This variant is present in population databases (rs747131655, gnomAD 0.04%). This variant has not been reported in the literature in individuals affected with NEB-related conditions. ClinVar contains an entry for this variant (Variation ID: 1021048). Algorithms developed to predict the effect of missense changes on protein structure and function are either unavailable or do not agree on the potential impact of this missense change (SIFT: "Tolerated"; PolyPhen-2: "Not Available"; Align-GVGD: "Class C0"). In summary, the available evidence is currently insufficient to determine the role of this variant in disease. Therefore, it has been classified as a Variant of Uncertain Significance.

Natera, Inc.
Classification: Uncertain significance for Nemaline myopathy type 2. Last evaluated: 2020-11-17. Review status: no assertion criteria provided. Collection method: clinical testing. Allele origin: germline. Not counted in ClinVar's aggregate classification.